The following is an entry in ClinVar:

ClinVar aggregate classification (germline): Uncertain significance (1 of 4 stars; one submission).

Conditions:
Charcot-Marie-Tooth Neuropathy X. Identifiers: MedGen CN118851.

Allele frequency attached by ClinVar (database versions not stated): TOPMed 0.00001.

Submission:

Labcorp Genetics (formerly Invitae), Labcorp
Classification: Uncertain significance for Charcot-Marie-Tooth Neuropathy X. Last evaluated: 2021-09-01. Review status: criteria provided, single submitter. Criteria: Invitae Variant Classification Sherloc (09022015). Collection method: clinical testing. Allele origin: germline.
Comment: This sequence change replaces isoleucine with valine at codon 71 of the GJB1 protein (p.Ile71Val). The isoleucine residue is highly conserved and there is a small physicochemical difference between isoleucine and valine. This variant is not present in population databases (ExAC no frequency). This variant has not been reported in the literature in individuals affected with GJB1-related conditions. Algorithms developed to predict the effect of missense changes on protein structure and function (SIFT, PolyPhen-2, Align-GVGD) all suggest that this variant is likely to be tolerated. In summary, the available evidence is currently insufficient to determine the role of this variant in disease. Therefore, it has been classified as a Variant of Uncertain Significance.

NM_000166.6(GJB1):c.211A>G (p.Ile71Val)

Gene: GJB1 (gap junction protein beta 1; plus strand). Cytogenetic location: Xq13.1.
Variant type: single nucleotide variant.
Coding change: c.211A>G on transcript NM_000166.6 (MANE Select); coding-DNA position 211, A replaced by G.
Protein change: p.Ile71Val; replaces isoleucine 71 with valine.
Molecular consequence: missense variant.
Genome position (GRCh38, 1-based): chrX:71,223,918, A>G. VCF-style: chrX-71223918-A-G. GRCh37 (hg19) VCF-style: chrX-70443768-A-G.
Other names: c.211A>G, p.Ile71Val (NM_001097642.3); short protein forms I71V.
Identifiers: ClinVar variation 1355239 (VCV001355239.5), dbSNP rs2092543276, ClinGen allele CA413501493.